The following is an entry in ClinVar:

NM_000268.4(NF2):c.1470G>T (p.Pro490=)

Gene: NF2 (NF2, moesin-ezrin-radixin like (MERLIN) tumor suppressor; plus strand). Cytogenetic location: 22q12.2.
Variant type: single nucleotide variant.
Coding change: c.1470G>T on transcript NM_000268.4 (MANE Select); coding-DNA position 1470, G replaced by T.
Protein change: p.Pro490=; no amino-acid change (proline 490 retained).
Molecular consequence: synonymous variant. On other transcripts: non-coding transcript variant (1), intron variant (1).
Genome position (GRCh38, 1-based): chr22:29,678,219, G>T. VCF-style: chr22-29678219-G-T. GRCh37 (hg19) VCF-style: chr22-30074208-G-T.
Other names: c.1470G>T, p.Pro490= (NM_016418.5, NM_181825.3, NM_181832.3); c.1344G>T, p.Pro448= (NM_181828.3); c.1347G>T, p.Pro449= (NM_181829.3); c.1221G>T, p.Pro407= (NM_181830.3, NM_181831.3); c.448-16533G>T (NM_181833.3).
Identifiers: ClinVar variation 1128768 (VCV001128768.12), dbSNP rs373442542, ClinGen allele CA031767.

ClinVar aggregate classification (germline): Likely benign. Review status: criteria provided, multiple submitters, no conflicts (2 of 4 stars). 4 submissions from 4 submitters: Likely benign (4). Last evaluated 2025-06-11.

Conditions:
Hereditary cancer-predisposing syndrome. Also called: Tumor predisposition; Hereditary Cancer Syndrome; Hereditary neoplastic syndrome; Neoplastic Syndromes, Hereditary. Identifiers: Orphanet 140162, MedGen C0027672, MeSH D009386, MONDO:0015356.
Neurofibromatosis, type 2 (SWNV). Also called: BILATERAL ACOUSTIC NEUROFIBROMATOSIS; NF2-Related Schwannomatosis; SCHWANNOMATOSIS, VESTIBULAR. Identifiers: Orphanet 637, MedGen C0027832, MONDO:0007039, OMIM 101000. Disease mechanism: loss of function.

Allele frequency attached by ClinVar (database versions not stated): gnomAD 0.00001; gnomAD exomes 0.00001; ExAC 0.00002; ESP Exome Variant Server 0.00008.
gnomAD v4.1: 9 of 1,613,936 alleles (0.00056%); highest among the groups gnomAD compares: African/African-American, 0.0013%; no homozygotes.

Submissions (4):

Labcorp Genetics (formerly Invitae), Labcorp
Classification: Likely benign for Neurofibromatosis, type 2. Last evaluated: 2025-06-11. Review status: criteria provided, single submitter. Criteria: Invitae Variant Classification Sherloc (09022015). Collection method: clinical testing. Allele origin: germline.

All of Us Research Program, National Institutes of Health
Classification: Likely benign for Neurofibromatosis, type 2. Last evaluated: 2023-08-15. Review status: criteria provided, single submitter. Criteria: ACMG Guidelines, 2015. Collection method: clinical testing. Allele origin: germline. Inheritance: Autosomal dominant inheritance. Observed: 2 variant alleles, 2 heterozygotes.
Comment: This study involves interpretation of variants in research participants for the purpose of population health screening. Participant phenotype was not available at the time of variant classification. Additional details can be found in publication PMID: 35346344, PMCID: PMC8962531

Color Diagnostics, LLC DBA Color Health
Classification: Likely benign for Neurofibromatosis, type 2. Last evaluated: 2023-05-17. Review status: criteria provided, single submitter. Criteria: ACMG Guidelines, 2015. Collection method: clinical testing. Allele origin: germline.

Ambry Genetics
Classification: Likely benign for Hereditary cancer-predisposing syndrome. Last evaluated: 2020-03-04. Review status: criteria provided, single submitter. Criteria: Ambry Variant Classification Scheme 2023. Collection method: clinical testing. Allele origin: germline.